The following is an entry in ClinVar:

NM_032776.3(JMJD1C):c.3160_3161delinsAT (p.Ser1054Ile)

Gene: JMJD1C (jumonji domain containing 1C; minus strand). Cytogenetic location: 10q21.3.
Variant type: Indel.
Coding change: c.3160_3161delinsAT on transcript NM_032776.3 (MANE Select); coding-DNA positions 3160 to 3161, TC replaced by AT.
Protein change: p.Ser1054Ile; replaces serine 1054 with isoleucine.
Molecular consequence: missense variant. On other transcripts: non-coding transcript variant (1).
Genome position (GRCh38, 1-based): chr10:63,208,508-63,208,509, GA replaced by AT on the plus strand (TC replaced by AT on the coding strand, the reverse complement: JMJD1C is on the minus strand). VCF-style: chr10-63208508-GA-AT. GRCh37 (hg19) VCF-style: chr10-64968268-GA-AT.
Other names: c.2614_2615delinsAT, p.Ser872Ile (NM_001282948.2, NM_001318154.2); c.2296_2297delinsAT, p.Ser766Ile (NM_001318153.2); c.3046_3047delinsAT, p.Ser1016Ile (NM_001322252.2); c.2503_2504delinsAT, p.Ser835Ile (NM_001322254.2, NM_001322258.2); short protein forms S1054I, S872I, S835I, S766I, S1016I.
Identifiers: ClinVar variation 3021212 (VCV003021212.3), dbSNP rs2492697385, ClinGen allele CA2740092997.

ClinVar aggregate classification (germline): Uncertain significance (1 of 4 stars; one submission).

Conditions:
Early Myoclonic Encephalopathy. Identifiers: MedGen C0270855.

Submission:

Labcorp Genetics (formerly Invitae), Labcorp
Classification: Uncertain significance for Early Myoclonic Encephalopathy. Last evaluated: 2022-12-05. Review status: criteria provided, single submitter. Criteria: Invitae Variant Classification Sherloc (09022015). Collection method: clinical testing. Allele origin: germline.
Comment: In summary, the available evidence is currently insufficient to determine the role of this variant in disease. Therefore, it has been classified as a Variant of Uncertain Significance. Algorithms developed to predict the effect of missense changes on protein structure and function are either unavailable or do not agree on the potential impact of this missense change (SIFT: "Not Available"; PolyPhen-2: "Benign"; Align-GVGD: "Not Available"). This variant has not been reported in the literature in individuals affected with JMJD1C-related conditions. Information on the frequency of this variant in the gnomAD database is not available, as this variant may be reported differently in the database. This sequence change replaces serine, which is neutral and polar, with isoleucine, which is neutral and non-polar, at codon 1054 of the JMJD1C protein (p.Ser1054Ile).